The following is an entry in ClinVar:

NM_001292063.2(OTOG):c.5194C>T (p.Gln1732Ter)

Gene: OTOG (otogelin; plus strand). Cytogenetic location: 11p15.1.
Variant type: single nucleotide variant.
Coding change: c.5194C>T on transcript NM_001292063.2 (MANE Select); coding-DNA position 5194, C replaced by T.
Protein change: p.Gln1732Ter; replaces glutamine 1732 with a stop codon.
Molecular consequence: nonsense.
Genome position (GRCh38, 1-based): chr11:17,610,494, C>T. VCF-style: chr11-17610494-C-T. GRCh37 (hg19) VCF-style: chr11-17632041-C-T.
Other names: c.5230C>T, p.Gln1744Ter (NM_001277269.2); short protein forms Q1732*, Q1744*.
Identifiers: ClinVar variation 1708596 (VCV001708596.9), dbSNP rs1000615556, ClinGen allele CA218476165.
Genomic context (GRCh38, chr11:17,610,494, plus strand): 5'-CTTGCAACCAGGAGCTTGGAGATAGTGCTATCCACAGAGAAGGGCGAAGCCGGGCACAGC[C>T]AGCCCATGGGCTCGCCTGCCTCCCCACAGCCACACCCACTCCCCTCTGCACCACCCCGCC-3'

ClinVar aggregate classification (germline): Conflicting classifications of pathogenicity. Review status: criteria provided, conflicting classifications (1 of 4 stars). 5 submissions from 5 submitters: Pathogenic (2); Likely pathogenic (2); Uncertain significance (1). Last evaluated 2026-08-06.

Conditions:
Autosomal recessive nonsyndromic hearing loss 18B. Also called: Deafness, autosomal recessive 18b. Identifiers: Orphanet 90636, MedGen C3554163, MONDO:0013985, OMIM 614945.
Rare genetic deafness. Identifiers: Orphanet 96210, MedGen C5680250.

Allele frequency attached by ClinVar (database versions not stated): gnomAD exomes 0.00001; gnomAD 0.00001; TOPMed 0.00002.
gnomAD v4.1: 20 of 1,550,508 alleles (0.0013%); highest among the groups gnomAD compares: Admixed American, 0.0059%; no homozygotes.

Submissions (5):

OLLIN Analises Genomicas, OLLIN
Classification: Likely pathogenic for Autosomal recessive nonsyndromic hearing loss 18B. Last evaluated: 2026-08-06. Review status: criteria provided, single submitter. Criteria: ACMG Guidelines 2015 PMID 25741868. Collection method: clinical testing. Allele origin: germline. Inheritance: Autosomal recessive inheritance.
Comment: This nonsense variant, located in exon 36 (of 56), has been reported in ClinVar (accession VCV001708596.8) and in gnomAD with an allele frequency of 0.0013%. However, to our knowledge, it has not been reported in the scientific literature. This variant introduces a premature stop codon, which is predicted to result in either a truncated protein or degradation of the mRNA via nonsense-mediated decay (NMD). According to the currently available evidence, this variant has been classified as likely pathogenic (PVS1, PM2_P).

GeneDx
Classification: Uncertain significance. Last evaluated: 2025-10-10. Review status: criteria provided, single submitter. Criteria: GeneDx Variant Classification Process June 2021. Collection method: clinical testing. Allele origin: germline. Affected: yes.
Comment: Has not been previously published as pathogenic or benign to our knowledge; Nonsense variant predicted to result in protein truncation or nonsense mediated decay in a gene for which loss of function is a known mechanism of disease

Labcorp Genetics (formerly Invitae), Labcorp
Classification: Pathogenic. Last evaluated: 2023-08-19. Review status: criteria provided, single submitter. Criteria: Invitae Variant Classification Sherloc (09022015). Collection method: clinical testing. Allele origin: germline.
Comment: This sequence change creates a premature translational stop signal (p.Gln1744*) in the OTOG gene. It is expected to result in an absent or disrupted protein product. Loss-of-function variants in OTOG are known to be pathogenic (PMID: 23122587). This variant is present in population databases (no rsID available, gnomAD 0.008%). This variant has not been reported in the literature in individuals affected with OTOG-related conditions. ClinVar contains an entry for this variant (Variation ID: 1708596). For these reasons, this variant has been classified as Pathogenic.

Laboratory for Molecular Medicine, Mass General Brigham Personalized Medicine
Classification: Likely pathogenic for Rare genetic deafness. Last evaluated: 2022-11-03. Review status: criteria provided, single submitter. Criteria: ACMG Guidelines, 2015. Collection method: clinical testing. Allele origin: germline.
Comment: The p.Gln1744X variant in OTOG has not been reported in individuals with nonsyndromic hearing loss and has been identified in 1/15290 Latino chromosomes by gnomAD. This nonsense variant leads to a premature termination codon at position 1744, which is predicted to lead to a truncated or absent protein. Loss of function of the OTOG gene is an established disease mechanism in autosomal recessive nonsyndromic hearing loss. In summary, although additional studies are required to fully establish its clinical significance, this variant meets criteria to be classified as likely pathogenic for autosomal recessive nonsyndromic hearing loss. ACMG/AMP Criteria applied: PM2_supporting, PVS1.

MGZ Medical Genetics Center
Classification: Pathogenic for Autosomal recessive nonsyndromic hearing loss 18B. Last evaluated: 2021-12-09. Review status: criteria provided, single submitter. Criteria: ACMG Guidelines, 2015. Collection method: clinical testing. Allele origin: germline. Affected: yes. Observed: 3 variant alleles.
Comment: ACMG criteria applied: PVS1, PM3, PM2_SUP

Literature cited by the submitters: PubMed 23122587 (cited by Labcorp Genetics (formerly Invitae), Labcorp).